The following is an entry in ClinVar:

ClinVar aggregate classification (germline): Uncertain significance (1 of 4 stars; one submission).

Conditions:
Charcot-Marie-Tooth disease type 2A2. Also called: CHARCOT-MARIE-TOOTH DISEASE, NEURONAL, TYPE 2A2; HEREDITARY MOTOR AND SENSORY NEUROPATHY IIA2; HMSN IIA2; CHARCOT-MARIE-TOOTH DISEASE, AXONAL, TYPE 2A2; CHARCOT-MARIE-TOOTH DISEASE, AXONAL, AUTOSOMAL DOMINANT, TYPE 2A2A; Charcot-Marie-Tooth Neuropathy Type 2A2. Identifiers: Orphanet 99947, MedGen C4721887, MONDO:0012231, OMIM 609260.
Neuropathy, hereditary motor and sensory, type 6A (HMSN6A). Also called: HMSN VIA; CHARCOT-MARIE-TOOTH DISEASE, TYPE 6A; NEUROPATHY, HEREDITARY MOTOR AND SENSORY, TYPE VIA; NEUROPATHY, HEREDITARY MOTOR AND SENSORY, TYPE VIA, WITH OPTIC ATROPHY. Identifiers: MedGen CN305336, MONDO:0011002, OMIM 601152.

Submission:

Diagnostics Services (NGS), CSIR - Centre For Cellular And Molecular Biology
Classification: Uncertain significance for Neuropathy, hereditary motor and sensory, type 6A; Charcot-Marie-Tooth disease type 2A2. Last evaluated: 2022-05-21. Review status: criteria provided, single submitter. Criteria: ACMG Guidelines, 2015. Collection method: clinical testing. Allele origin: unknown. Inheritance: Autosomal dominant inheritance. Affected: yes. Observed: 1 variant allele, 1 heterozygote.
Comment: The c.2229T>G variant is not present in publicly available population databases like 1000 Genomes, Exome Variant Server (EVS), Exome Aggregation Consortium (ExAC), Genome Aggregation Database (gnomAD) and Indian Exome Database. The variant was previously identified in patients affected with Charcot-Marie-Tooth disease and classified as VUS (PMID: 25614874). The variant was not reported to Clinvar, Human Genome Mutation Database (HGMD) and/or OMIM databases, in any affected individuals. Predictions from different in-silico pathogenicity prediction programs like SIFT, PolyPhen-2, MutationTaster2, CADD, Varsome etc. are contradictory. An alternative variant in this position (c.2229T>A), causing same amino acid change (p.Ser743Arg), has been reported to HGMD (ID: CM148544), however functional study was not performed (PMID: 24957169).

Literature cited by the submitters: PubMed 25614874; PubMed 24957169.

NM_014874.4(MFN2):c.2229T>G (p.Ser743Arg)

Gene: MFN2 (mitofusin 2; plus strand). Cytogenetic location: 1p36.22.
Variant type: single nucleotide variant.
Coding change: c.2229T>G on transcript NM_014874.4 (MANE Select); coding-DNA position 2229, T replaced by G.
Protein change: p.Ser743Arg; replaces serine 743 with arginine.
Molecular consequence: missense variant.
Genome position (GRCh38, 1-based): chr1:12,011,520, T>G. VCF-style: chr1-12011520-T-G. GRCh37 (hg19) VCF-style: chr1-12071577-T-G.
Other names: c.2229T>G, p.Ser743Arg (NM_001127660.2); short protein forms S743R.
Identifiers: ClinVar variation 1691310 (VCV001691310.4), dbSNP rs1569890121, ClinGen allele CA338453942.